The following is an entry in ClinVar:

ClinVar aggregate classification (germline): Uncertain significance (1 of 4 stars; one submission).

Submission:

Labcorp Genetics (formerly Invitae), Labcorp
Classification: Uncertain significance. Last evaluated: 2024-05-23. Review status: criteria provided, single submitter. Criteria: Invitae Variant Classification Sherloc (09022015). Collection method: clinical testing. Allele origin: germline.
Comment: This sequence change replaces isoleucine, which is neutral and non-polar, with threonine, which is neutral and polar, at codon 1933 of the POLE protein (p.Ile1933Thr). This variant is not present in population databases (gnomAD no frequency). This variant has not been reported in the literature in individuals affected with POLE-related conditions. Advanced modeling of protein sequence and biophysical properties (such as structural, functional, and spatial information, amino acid conservation, physicochemical variation, residue mobility, and thermodynamic stability) performed at Invitae indicates that this missense variant is not expected to disrupt POLE protein function with a negative predictive value of 80%. In summary, the available evidence is currently insufficient to determine the role of this variant in disease. Therefore, it has been classified as a Variant of Uncertain Significance.

NM_006231.4(POLE):c.5798T>C (p.Ile1933Thr)

Gene: POLE (DNA polymerase epsilon, catalytic subunit; minus strand). Cytogenetic location: 12q24.33.
Variant type: single nucleotide variant.
Coding change: c.5798T>C on transcript NM_006231.4 (MANE Select); coding-DNA position 5798, T replaced by C.
Protein change: p.Ile1933Thr; replaces isoleucine 1933 with threonine.
Molecular consequence: missense variant.
Genome position (GRCh38, 1-based): chr12:132,635,905, A>G on the plus strand (T>C on the coding strand, the complement: POLE is on the minus strand). VCF-style: chr12-132635905-A-G. GRCh37 (hg19) VCF-style: chr12-133212491-A-G.
Other names: short protein forms I1933T.
Identifiers: ClinVar variation 3717834 (VCV003717834.2).